The following is an entry in ClinVar:

ClinVar aggregate classification (germline): Uncertain significance (1 of 4 stars; one submission).

Allele frequency attached by ClinVar (database versions not stated): gnomAD exomes 0.00001; TOPMed below 0.00001.
gnomAD v4.1: 8 of 1,614,150 alleles (0.0005%); highest among the groups gnomAD compares: Non-Finnish European, 0.00068%; no homozygotes.

Submission:

Labcorp Genetics (formerly Invitae), Labcorp
Classification: Uncertain significance. Last evaluated: 2022-11-04. Review status: criteria provided, single submitter. Criteria: Invitae Variant Classification Sherloc (09022015). Collection method: clinical testing. Allele origin: germline.
Comment: This variant is not present in population databases (gnomAD no frequency). In summary, the available evidence is currently insufficient to determine the role of this variant in disease. Therefore, it has been classified as a Variant of Uncertain Significance. Algorithms developed to predict the effect of missense changes on protein structure and function are either unavailable or do not agree on the potential impact of this missense change (SIFT: "Deleterious"; PolyPhen-2: "Benign"; Align-GVGD: "Class C0"). This variant has not been reported in the literature in individuals affected with CDH2-related conditions. This sequence change replaces threonine, which is neutral and polar, with alanine, which is neutral and non-polar, at codon 483 of the CDH2 protein (p.Thr483Ala).

NM_001792.5(CDH2):c.1447A>G (p.Thr483Ala)

Gene: CDH2 (cadherin 2; minus strand). Cytogenetic location: 18q12.1.
Variant type: single nucleotide variant.
Coding change: c.1447A>G on transcript NM_001792.5 (MANE Select); coding-DNA position 1447, A replaced by G.
Protein change: p.Thr483Ala; replaces threonine 483 with alanine.
Molecular consequence: missense variant.
Genome position (GRCh38, 1-based): chr18:27,990,248, T>C on the plus strand (A>G on the coding strand, the complement: CDH2 is on the minus strand). VCF-style: chr18-27990248-T-C. GRCh37 (hg19) VCF-style: chr18-25570212-T-C.
Other names: c.1354A>G, p.Thr452Ala (NM_001308176.2); short protein forms T483A, T452A.
Identifiers: ClinVar variation 2872920 (VCV002872920.3), dbSNP rs2012371590, ClinGen allele CA402109211.
Genomic context (GRCh38, chr18:27,990,248, plus strand): 5'-TCTTAGGATTGGGGGCAAAATAAGGGTTTTCATTTACGTCAATAACTGTAACAGACACGG[T>C]TGCAGTTGACTGAGGGGGGTGCTGAATTCCCTTGGCTAATGGCACTTGATTTTCTGCAGC-3'
Protein context (NP_001783.2, residues 473-493): GIQHPPQSTA[Thr483Ala]VSVTVIDVNE